The following is an entry in ClinVar:

ClinVar aggregate classification (germline): Uncertain significance (1 of 4 stars; one submission).

Conditions:
LAMA2-related muscular dystrophy (LAMA2-RD). Also called: Laminin alpha 2-related dystrophy. Identifiers: MedGen C5679788, MONDO:0100228.

Allele frequency attached by ClinVar (database versions not stated): ExAC 0.00001; gnomAD 0.00001; gnomAD exomes 0.00001.
gnomAD v4.1: 5 of 1,614,002 alleles (0.00031%); highest among the groups gnomAD compares: South Asian, 0.0011%; no homozygotes.

Submission:

Labcorp Genetics (formerly Invitae), Labcorp
Classification: Uncertain significance for LAMA2-related muscular dystrophy. Last evaluated: 2022-04-08. Review status: criteria provided, single submitter. Criteria: Invitae Variant Classification Sherloc (09022015). Collection method: clinical testing. Allele origin: germline.
Comment: This sequence change replaces asparagine, which is neutral and polar, with serine, which is neutral and polar, at codon 1073 of the LAMA2 protein (p.Asn1073Ser). In summary, the available evidence is currently insufficient to determine the role of this variant in disease. Therefore, it has been classified as a Variant of Uncertain Significance. Algorithms developed to predict the effect of sequence changes on RNA splicing suggest that this variant may create or strengthen a splice site. Advanced modeling of protein sequence and biophysical properties (such as structural, functional, and spatial information, amino acid conservation, physicochemical variation, residue mobility, and thermodynamic stability) performed at Invitae indicates that this missense variant is not expected to disrupt LAMA2 protein function. This variant has not been reported in the literature in individuals affected with LAMA2-related conditions. This variant is present in population databases (rs748779868, gnomAD 0.003%).

NM_000426.4(LAMA2):c.3218A>G (p.Asn1073Ser)

Gene: LAMA2 (laminin subunit alpha 2; plus strand). Cytogenetic location: 6q22.33.
Variant type: single nucleotide variant.
Coding change: c.3218A>G on transcript NM_000426.4 (MANE Select); coding-DNA position 3218, A replaced by G.
Protein change: p.Asn1073Ser; replaces asparagine 1073 with serine.
Molecular consequence: missense variant.
Genome position (GRCh38, 1-based): chr6:129,312,904, A>G. VCF-style: chr6-129312904-A-G. GRCh37 (hg19) VCF-style: chr6-129634049-A-G.
Other names: c.3218A>G, p.Asn1073Ser (NM_001079823.2); short protein forms N1073S.
Identifiers: ClinVar variation 2419567 (VCV002419567.7), dbSNP rs748779868, ClinGen allele CA3993211.
Genomic context (GRCh38, chr6:129,312,904, plus strand): 5'-TTTTATCTCCTCTATAGGCTTGTAACTGCAGCACAGTGGGATCCTTGGATTTCCAATGCA[A>G]TGTAAATACAGGCCAATGCAACTGTCATCCAAAATTCTCTGGTGCAAAATGTACAGAGTG-3'
Protein context (NP_000417.3, residues 1063-1083): STVGSLDFQC[Asn1073Ser]VNTGQCNCHP